The following is an entry in ClinVar:

ClinVar aggregate classification (germline): Likely benign (0 of 4 stars; one submission).

Conditions:
PREX2-related disorder. Also called: PREX2-related condition.

Allele frequency attached by ClinVar (database versions not stated): gnomAD exomes 0.00001; 1000 Genomes Project 30x 0.00016; 1000 Genomes Project 0.00020.
gnomAD v4.1: 24 of 1,612,770 alleles (0.0015%); highest among the groups gnomAD compares: African/African-American, 0.012%; no homozygotes.

Submission:

PreventionGenetics, part of Exact Sciences
Classification: Likely benign for PREX2-related condition. Last evaluated: 2019-06-27. Review status: no assertion criteria provided. Collection method: clinical testing. Allele origin: germline.
Comment: This variant is classified as likely benign based on ACMG/AMP sequence variant interpretation guidelines (Richards et al. 2015 PMID: 25741868, with internal and published modifications).

NM_024870.4(PREX2):c.270C>T (p.Val90=)

Gene: PREX2 (phosphatidylinositol-3,4,5-trisphosphate dependent Rac exchange factor 2; plus strand). Cytogenetic location: 8q13.2.
Variant type: single nucleotide variant.
Coding change: c.270C>T on transcript NM_024870.4 (MANE Select); coding-DNA position 270, C replaced by T.
Protein change: p.Val90=; no amino-acid change (valine 90 retained).
Molecular consequence: synonymous variant.
Genome position (GRCh38, 1-based): chr8:68,019,605, C>T. VCF-style: chr8-68019605-C-T. GRCh37 (hg19) VCF-style: chr8-68931840-C-T.
Other names: c.270C>T, p.Val90= (NM_025170.6).
Identifiers: ClinVar variation 3043142 (VCV003043142.2), dbSNP rs143185949, ClinGen allele CA178252253.